The following is an entry in ClinVar:

NM_001142800.2(EYS):c.1599+2T>G

Gene: EYS (EGF-like photoreceptor maintenance factor; minus strand). Cytogenetic location: 6q12.
Variant type: single nucleotide variant.
Coding change: c.1599+2T>G on transcript NM_001142800.2 (MANE Select); the canonical splice donor site of the intron after coding-DNA position 1599, T replaced by G.
Molecular consequence: splice donor variant.
Genome position (GRCh38, 1-based): chr6:65,344,036, A>C on the plus strand (T>G on the coding strand, the complement: EYS is on the minus strand). VCF-style: chr6-65344036-A-C. GRCh37 (hg19) VCF-style: chr6-66053929-A-C.
Other names: c.1599+2T>G (NM_001292009.2, NM_001142801.2, NM_198283.2).
Identifiers: ClinVar variation 1996380 (VCV001996380.4), dbSNP rs2533169119, ClinGen allele CA364661281.
Genomic context (GRCh38, chr6:65,344,036, plus strand): 5'-AAAAATCAGACAATTACAAGCTAAAGAGAAAAATGAAAAGCAACTACATAAAATTACCTT[A>C]CCTCTTTTGTGCCTTCATGTGGGAACCAACATGAAGAATTATTATCTTCAGGATCGTTCA-3'

ClinVar aggregate classification (germline): Likely pathogenic (1 of 4 stars; one submission).

Submission:

Labcorp Genetics (formerly Invitae), Labcorp
Classification: Likely pathogenic. Last evaluated: 2022-05-19. Review status: criteria provided, single submitter. Criteria: Invitae Variant Classification Sherloc (09022015). Collection method: clinical testing. Allele origin: germline.
Comment: This variant has not been reported in the literature in individuals affected with EYS-related conditions. Algorithms developed to predict the effect of sequence changes on RNA splicing suggest that this variant may disrupt the consensus splice site. In summary, the currently available evidence indicates that the variant is pathogenic, but additional data are needed to prove that conclusively. Therefore, this variant has been classified as Likely Pathogenic. This variant is not present in population databases (gnomAD no frequency). This sequence change affects a donor splice site in intron 10 of the EYS gene. It is expected to disrupt RNA splicing. Variants that disrupt the donor or acceptor splice site typically lead to a loss of protein function (PMID: 16199547), and loss-of-function variants in EYS are known to be pathogenic (PMID: 18836446, 20333770).

Literature cited by the submitters: PubMed 16199547; PubMed 18836446; PubMed 20333770.